The following is an entry in ClinVar:

NM_019109.5(ALG1):c.69del (p.Gly22_Trp23insTer)

Genes: ALG1 (ALG1 chitobiosyldiphosphodolichol beta-mannosyltransferase; plus strand), LOC130058383 (ATAC-STARR-seq lymphoblastoid active region 10348; plus strand). Cytogenetic location: 16p13.3.
Variant type: Deletion.
Coding change: c.69del on transcript NM_019109.5 (MANE Select); coding-DNA position 69, one base deleted (G; older notation c.69delG).
Protein change: p.Gly22_Trp23insTer.
Molecular consequence: nonsense.
Genome position (GRCh38, 1-based): chr16:5,071,918, G deleted; the last of 2 consecutive G bases (chr16:5,071,917-5,071,918); deleting either gives the same sequence. VCF-style (leftmost placement, unchanged base first): chr16-5071916-TG-T. GRCh37 (hg19) VCF-style: chr16-5121917-TG-T.
Other names: c.69delG (NM_019109.4).
Identifiers: ClinVar variation 373810 (VCV000373810.2), dbSNP rs1057518625, ClinGen allele CA16043011.

ClinVar aggregate classification (germline): Pathogenic (1 of 4 stars; one submission).

Submission:

GeneDx
Classification: Pathogenic. Last evaluated: 2016-12-12. Review status: criteria provided, single submitter. Criteria: GeneDx Variant Classification (06012015). Collection method: clinical testing. Allele origin: germline. Affected: yes.
Comment: The c.69delG variant in the ALG1 gene has not been reported previously as a pathogenic variant nor as a benign variant, to our knowledge. The c.69delG variant causes a frameshift, changing codon Tryptophan 23 to a premature Stop codon, denoted p.Trp23Ter. This variant is predicted to cause loss of normal protein function either through protein truncation or nonsense-mediated mRNA decay. The c.69delG variant was not observed in approximately 6,400 individuals of European and African American ancestry in the NHLBI Exome Sequencing Project, indicating it is not a common benign variant in these populations. We interpret c.69delG as a pathogenic variant.